The following is an entry in ClinVar:

NM_015512.5(DNAH1):c.8237C>T (p.Pro2746Leu)

Gene: DNAH1 (dynein axonemal heavy chain 1; plus strand). Cytogenetic location: 3p21.1.
Variant type: single nucleotide variant.
Coding change: c.8237C>T on transcript NM_015512.5 (MANE Select); coding-DNA position 8237, C replaced by T.
Protein change: p.Pro2746Leu; replaces proline 2746 with leucine.
Molecular consequence: missense variant.
Genome position (GRCh38, 1-based): chr3:52,383,946, C>T. VCF-style: chr3-52383946-C-T. GRCh37 (hg19) VCF-style: chr3-52417962-C-T.
Other names: short protein forms P2746L.
Identifiers: ClinVar variation 3369534 (VCV003369534.2).

ClinVar aggregate classification (germline): Uncertain significance. Review status: criteria provided, multiple submitters, no conflicts (2 of 4 stars). 2 submissions from 2 submitters: Uncertain significance (2). Last evaluated 2024-02-20.

gnomAD v4.1: 57 of 1,612,918 alleles (0.0035%); highest among the groups gnomAD compares: South Asian, 0.039%; 1 homozygote.

Submissions (2):

GeneDx
Classification: Uncertain significance. Last evaluated: 2024-02-20. Review status: criteria provided, single submitter. Criteria: GeneDx Variant Classification Process June 2021. Collection method: clinical testing. Allele origin: germline. Affected: yes.
Comment: In silico analysis supports that this missense variant has a deleterious effect on protein structure/function; Has not been previously published as pathogenic or benign to our knowledge

Blueprint Genetics
Classification: Uncertain significance. Last evaluated: 2022-12-20. Review status: criteria provided, single submitter. Criteria: ACMG Guidelines, 2015. Collection method: clinical testing. Allele origin: germline.